The following is an entry in ClinVar:

NM_002032.3(FTH1):c.-162T>G

Genes: FTH1 (ferritin heavy chain 1; minus strand), LOC399900 (uncharacterized LOC399900; plus strand). Cytogenetic location: 11q12.3.
Variant type: single nucleotide variant.
Coding change: c.-162T>G on transcript NM_002032.3 (MANE Select); 162 bases upstream of the start codon, T replaced by G.
Molecular consequence: 5 prime UTR variant. On other transcripts: non-coding transcript variant (1).
Genome position (GRCh38, 1-based): chr11:61,967,587, A>C on the plus strand (T>G on the coding strand, the complement: FTH1 is on the minus strand). VCF-style: chr11-61967587-A-C. GRCh37 (hg19) VCF-style: chr11-61735059-A-C.
Identifiers: ClinVar variation 3060745 (VCV003060745.2), dbSNP rs756637953, ClinGen allele CA6041376.

ClinVar aggregate classification (germline): Likely benign (0 of 4 stars; one submission).

Conditions:
FTH1-related disorder. Also called: FTH1-related condition.

Allele frequency attached by ClinVar (database versions not stated): ExAC 0.02155.

Submission:

PreventionGenetics, part of Exact Sciences
Classification: Likely benign for FTH1-related condition. Last evaluated: 2019-12-09. Review status: no assertion criteria provided. Collection method: clinical testing. Allele origin: germline.
Comment: This variant is classified as likely benign based on ACMG/AMP sequence variant interpretation guidelines (Richards et al. 2015 PMID: 25741868, with internal and published modifications).